The following is an entry in ClinVar:

NM_170601.5(SIAE):c.1379C>T (p.Ser460Phe)

Gene: SIAE (sialic acid acetylesterase; minus strand). Cytogenetic location: 11q24.2.
Variant type: single nucleotide variant.
Coding change: c.1379C>T on transcript NM_170601.5 (MANE Select); coding-DNA position 1379, C replaced by T.
Protein change: p.Ser460Phe; replaces serine 460 with phenylalanine.
Molecular consequence: missense variant.
Genome position (GRCh38, 1-based): chr11:124,637,144, G>A on the plus strand (C>T on the coding strand, the complement: SIAE is on the minus strand). VCF-style: chr11-124637144-G-A. GRCh37 (hg19) VCF-style: chr11-124507040-G-A.
Other names: c.1274C>T, p.Ser425Phe (NM_001199922.2); short protein forms S425F, S460F.
Identifiers: ClinVar variation 1716074 (VCV001716074.5), dbSNP rs2496874768, ClinGen allele CA383142080.

ClinVar aggregate classification (germline): Uncertain significance (1 of 4 stars; one submission).

Submission:

Labcorp Genetics (formerly Invitae), Labcorp
Classification: Uncertain significance. Last evaluated: 2022-08-10. Review status: criteria provided, single submitter. Criteria: Invitae Variant Classification Sherloc (09022015). Collection method: clinical testing. Allele origin: germline.
Comment: In summary, the available evidence is currently insufficient to determine the role of this variant in disease. Therefore, it has been classified as a Variant of Uncertain Significance. Algorithms developed to predict the effect of missense changes on protein structure and function are either unavailable or do not agree on the potential impact of this missense change (SIFT: "Deleterious"; PolyPhen-2: "Benign"; Align-GVGD: "Class C0"). This variant has not been reported in the literature in individuals affected with SIAE-related conditions. This variant is not present in population databases (gnomAD no frequency). This sequence change replaces serine, which is neutral and polar, with phenylalanine, which is neutral and non-polar, at codon 460 of the SIAE protein (p.Ser460Phe).